The following is an entry in ClinVar:

NC_012920.1(MT-ND4):m.11984T>C

Gene: MT-ND4 (mitochondrially encoded NADH dehydrogenase 4; plus strand).
Variant type: single nucleotide variant.
Genome position: chrM-11984-T-C.
Identifiers: ClinVar variation 155888 (VCV000155888.5), dbSNP rs200911567, ClinGen allele CA345917.

ClinVar aggregate classification (germline): Benign. Review status: criteria provided, single submitter (1 of 4 stars). 2 submissions from 2 submitters: Benign (1). 1 of the submissions does not count toward it. Last evaluated 2019-10-17.

Conditions:
Leigh syndrome (NULS). Also called: Leigh's syndrome; Leigh Syndrome (mtDNA deletion); Leigh Disease; Subacute necrotizing encephalopathy; Necrotizing encephalopathy infantile subacute of Leigh; LEIGH SYNDROME, NUCLEAR. Identifiers: Orphanet 506, MedGen C2931891, MONDO:0009723, OMIM 256000.

Submissions (2):

Wong Mito Lab, Molecular and Human Genetics, Baylor College of Medicine
Classification: Benign for Leigh syndrome. Last evaluated: 2019-10-17. Review status: criteria provided, single submitter. Criteria: Modified ACMG Guidelines (Unpublished). Collection method: clinical testing. Allele origin: germline.
Comment: The NC_012920.1:m.11984T>C (YP_003024035.1:p.Tyr409His) variant in MTND4 gene is interpretated to be a Benign variant based on the modified ACMG guidelines (unpublished). This variant meets the following evidence codes: BS1, BS4, BP4

GeneReviews
No classification provided. Condition: Leigh syndrome. Review status: no classification provided. Collection method: literature only. Allele origin: germline. Not counted in ClinVar's aggregate classification.

Literature cited by the submitters: PubMed 17022785 (cited by Wong Mito Lab, Molecular and Human Genetics, Baylor College of Medicine); NCBI Bookshelf NBK1173 (cited by GeneReviews).